The following is an entry in ClinVar:

ClinVar aggregate classification (germline): Conflicting classifications of pathogenicity. Review status: criteria provided, conflicting classifications (1 of 4 stars). 4 submissions from 4 submitters: Uncertain significance (2); Likely benign (2). Last evaluated 2025-01-22.

Conditions:
Hereditary breast ovarian cancer syndrome. Also called: Hereditary breast and ovarian cancer; Breast and ovarian cancer; Hereditary breast and/or ovarian cancer syndrome; Hereditary breast and ovarian cancer syndrome; BRCA1- and BRCA2-Associated Hereditary Breast and Ovarian Cancer; Hereditary breast and ovarian cancer syndrome (HBOC). Identifiers: Orphanet 145, MedGen C0677776, MeSH D061325, MONDO:0003582. Disease mechanism: loss of function.
Hereditary cancer-predisposing syndrome. Also called: Tumor predisposition; Hereditary Cancer Syndrome; Neoplastic Syndromes, Hereditary; Hereditary neoplastic syndrome. Identifiers: Orphanet 140162, MedGen C0027672, MeSH D009386, MONDO:0015356.

Allele frequency attached by ClinVar (database versions not stated): gnomAD exomes below 0.00001; TOPMed below 0.00001.
gnomAD v4.1: 2 of 1,614,078 alleles (0.00012%); highest among the groups gnomAD compares: Admixed American, 0.0017%; no homozygotes.

Submissions (4):

Labcorp Genetics (formerly Invitae), Labcorp
Classification: Uncertain significance for Hereditary breast ovarian cancer syndrome. Last evaluated: 2025-01-22. Review status: criteria provided, single submitter. Criteria: Invitae Variant Classification Sherloc (09022015). Collection method: clinical testing. Allele origin: germline.
Comment: This sequence change replaces threonine, which is neutral and polar, with isoleucine, which is neutral and non-polar, at codon 967 of the BRCA1 protein (p.Thr967Ile). This variant is present in population databases (no rsID available, gnomAD 0.003%). This variant has not been reported in the literature in individuals affected with BRCA1-related conditions. ClinVar contains an entry for this variant (Variation ID: 821968). Invitae Evidence Modeling of protein sequence and biophysical properties (such as structural, functional, and spatial information, amino acid conservation, physicochemical variation, residue mobility, and thermodynamic stability) indicates that this missense variant is not expected to disrupt BRCA1 protein function with a negative predictive value of 80%. In summary, the available evidence is currently insufficient to determine the role of this variant in disease. Therefore, it has been classified as a Variant of Uncertain Significance.

University of Washington Department of Laboratory Medicine, University of Washington
Classification: Likely benign for Hereditary cancer-predisposing syndrome. Last evaluated: 2023-03-23. Review status: criteria provided, single submitter. Criteria: Dines et al. (Genet Med. 2020). Collection method: curation. Allele origin: germline.
Comment: Missense variant in a coldspot region where missense variants are very unlikely to be pathogenic (PMID:31911673).

BRCA1 coldspot (exon 11 using historical exon numbering). Reclassification based on statistical prior probability

Color Diagnostics, LLC DBA Color Health
Classification: Uncertain significance for Hereditary cancer-predisposing syndrome. Last evaluated: 2021-08-31. Review status: criteria provided, single submitter. Criteria: ACMG Guidelines, 2015. Collection method: clinical testing. Allele origin: germline.
Comment: This missense variant replaces threonine with isoleucine at codon 967 of the BRCA1 protein. Computational prediction suggests that this variant may not impact protein structure and function (internally defined REVEL score threshold <= 0.5, PMID: 27666373). To our knowledge, functional studies have not been reported for this variant. This variant has not been reported in individuals affected with hereditary cancer in the literature. This variant has been identified in 1/251362 chromosomes in the general population by the Genome Aggregation Database (gnomAD). The available evidence is insufficient to determine the role of this variant in disease conclusively. Therefore, this variant is classified as a Variant of Uncertain Significance.

Ambry Genetics
Classification: Likely benign for Hereditary cancer-predisposing syndrome. Last evaluated: 2018-12-03. Review status: criteria provided, single submitter. Criteria: Ambry Variant Classification Scheme 2023. Collection method: clinical testing. Allele origin: germline.

NM_007294.4(BRCA1):c.2900C>T (p.Thr967Ile)

Gene: BRCA1 (BRCA1 DNA repair associated; minus strand). Cytogenetic location: 17q21.31.
Variant type: single nucleotide variant.
Coding change: c.2900C>T on transcript NM_007294.4 (MANE Select); coding-DNA position 2900, C replaced by T.
Protein change: p.Thr967Ile; replaces threonine 967 with isoleucine.
Molecular consequence: missense variant. On other transcripts: intron variant (137).
Genome position (GRCh38, 1-based): chr17:43,092,631, G>A on the plus strand (C>T on the coding strand, the complement: BRCA1 is on the minus strand). VCF-style: chr17-43092631-G-A. GRCh37 (hg19) VCF-style: chr17-41244648-G-A.
Other names: c.2900C>T, p.Thr967Ile (NM_001407621.1, NM_001407624.1, NM_001407622.1 and 30 more transcripts); c.2897C>T, p.Thr966Ile (NM_001407629.1, NM_001407627.1, NM_001407628.1 and 22 more transcripts); c.2687C>T, p.Thr896Ile (NM_001407571.1, NM_001407894.1, NM_001407895.1 and 9 more transcripts); c.2891C>T, p.Thr964Ile (NM_001407646.1, NM_001407647.1); c.2777C>T, p.Thr926Ile (NM_001407648.1, NM_001407664.1, NM_001407665.1 and 19 more transcripts); c.2774C>T, p.Thr925Ile (NM_001407649.1, NM_001407670.1, NM_001407671.1 and 11 more transcripts); c.2822C>T, p.Thr941Ile (NM_001407653.1, NM_001407654.1, NM_001407655.1 and 4 more transcripts); c.2819C>T, p.Thr940Ile (NM_001407659.1, NM_001407660.1, NM_001407661.1 and 1 more transcripts); and 41 more; short protein forms T920I, T967I, T799I, T840I, T855I, T856I, T897I, T926I.
Identifiers: ClinVar variation 821968 (VCV000821968.13), dbSNP rs1249532992, ClinGen allele CA10596191.
Genomic context (GRCh38, chr17:43,092,631, plus strand): 5'-TTGATGGGAAAAAGTGGTGGTATACGATATGGGTTTTGTAAAAGTCCATGTTTATTTGGA[G>A]TAATGAGTCCAGTTTCGTTGCCTCTGAACTGAGATGATAGACAAAACCTAGAGCCTCCTT-3'
Protein context (NP_009225.1, residues 957-977): QFRGNETGLI[Thr967Ile]PNKHGLLQNP